The following is an entry in ClinVar:

ClinVar aggregate classification (germline): Pathogenic (1 of 4 stars; one submission).

Submission:

GeneDx
Classification: Pathogenic. Last evaluated: 2017-10-19. Review status: criteria provided, single submitter. Criteria: GeneDx Variant Classification (06012015). Collection method: clinical testing. Allele origin: germline. Affected: yes.
Comment: The W458X variant in the USP9X gene has not been reported previously as a pathogenic variant nor as a benign variant, to our knowledge. This variant is predicted to cause loss of normal protein function either through protein truncation or nonsense-mediated mRNA decay. The W458X variant is not observed in large population cohorts (Lek et al., 2016). We interpret W458X as a pathogenic variant.

NM_001039591.3(USP9X):c.1374G>A (p.Trp458Ter)

Gene: USP9X (ubiquitin specific peptidase 9 X-linked; plus strand). Cytogenetic location: Xp11.4.
Variant type: single nucleotide variant.
Coding change: c.1374G>A on transcript NM_001039591.3 (MANE Select); coding-DNA position 1374, G replaced by A.
Protein change: p.Trp458Ter; replaces tryptophan 458 with a stop codon.
Molecular consequence: nonsense.
Genome position (GRCh38, 1-based): chrX:41,144,581, G>A. VCF-style: chrX-41144581-G-A. GRCh37 (hg19) VCF-style: chrX-41003834-G-A.
Other names: c.1374G>A, p.Trp458Ter (NM_001039590.3); short protein forms W458*.
Identifiers: ClinVar variation 452886 (VCV000452886.2), dbSNP rs1555921455, ClinGen allele CA412770515.
Genomic context (GRCh38, chrX:41,144,581, plus strand): 5'-GGCAGGGAAACATGAAGCCATTGTGAAGAATGTACATGATCTCCTGGCAAAATTGGCATG[G>A]GATTTTTCTCCTGAACAACTTGATCATCTTTTTGATTGTTTTAAGGTAATTGTTAACATA-3'